The following is an entry in ClinVar:

NC_000007.13:g.(?_117120136)_(117182182_?)dup

Gene: CFTR (CF transmembrane conductance regulator; plus strand). Cytogenetic location: 7q31.2.
Variant type: Duplication.
Identifiers: ClinVar variation 3245686 (VCV003245686.1).

ClinVar aggregate classification (germline): Uncertain significance (1 of 4 stars; one submission).

Conditions:
Cystic fibrosis (CF). Also called: MUCOVISCIDOSIS. Identifiers: Orphanet 586, MedGen C0010674, MONDO:0009061, OMIM 219700. Disease mechanism: loss of function.

Submission:

Labcorp Genetics (formerly Invitae), Labcorp
Classification: Uncertain significance for Cystic fibrosis. Last evaluated: 2023-04-14. Review status: criteria provided, single submitter. Criteria: Invitae Variant Classification Sherloc (09022015). Collection method: clinical testing. Allele origin: unknown.
Comment: In summary, the available evidence is currently insufficient to determine the role of this variant in disease. Therefore, it has been classified as a Variant of Uncertain Significance. A similar copy number variant has been observed in individual(s) with cystic fibrosis (Invitae). This variant results in a copy number gain of the genomic region encompassing exon(s) 1-9 of the CFTR gene. This region includes the initiator codon of the gene. This copy number gain extends beyond the assayed region for this gene and therefore may encompass additional genes. As the precise location of this event is unknown, it may be in tandem or it may be located elsewhere in the genome.